The following is an entry in ClinVar:

ClinVar aggregate classification (germline): Uncertain significance (1 of 4 stars; one submission).

Allele frequency attached by ClinVar (database versions not stated): gnomAD exomes below 0.00001; TOPMed 0.00001; gnomAD 0.00003.
gnomAD v4.1: 9 of 1,614,064 alleles (0.00056%); highest among the groups gnomAD compares: South Asian, 0.0044%; no homozygotes.

Submission:

Labcorp Genetics (formerly Invitae), Labcorp
Classification: Uncertain significance. Last evaluated: 2022-03-19. Review status: criteria provided, single submitter. Criteria: Invitae Variant Classification Sherloc (09022015). Collection method: clinical testing. Allele origin: germline.
Comment: This sequence change replaces asparagine, which is neutral and polar, with serine, which is neutral and polar, at codon 903 of the SZT2 protein (p.Asn903Ser). This variant is present in population databases (no rsID available, gnomAD 0.003%). This variant has not been reported in the literature in individuals affected with SZT2-related conditions. Algorithms developed to predict the effect of missense changes on protein structure and function are either unavailable or do not agree on the potential impact of this missense change (SIFT: "Tolerated"; PolyPhen-2: "Possibly Damaging"; Align-GVGD: "Class C0"). In summary, the available evidence is currently insufficient to determine the role of this variant in disease. Therefore, it has been classified as a Variant of Uncertain Significance.

NM_001365999.1(SZT2):c.2708A>G (p.Asn903Ser)

Gene: SZT2 (SZT2 subunit of KICSTOR complex; plus strand). Cytogenetic location: 1p34.2.
Variant type: single nucleotide variant.
Coding change: c.2708A>G on transcript NM_001365999.1 (MANE Select); coding-DNA position 2708, A replaced by G.
Protein change: p.Asn903Ser; replaces asparagine 903 with serine.
Molecular consequence: missense variant.
Genome position (GRCh38, 1-based): chr1:43,425,536, A>G. VCF-style: chr1-43425536-A-G. GRCh37 (hg19) VCF-style: chr1-43891207-A-G.
Other names: c.2708A>G, p.Asn903Ser (NM_015284.4); short protein forms N903S.
Identifiers: ClinVar variation 1485703 (VCV001485703.3), dbSNP rs1463062250, ClinGen allele CA340014160.